The following is an entry in ClinVar:

NM_000263.4(NAGLU):c.1822G>C (p.Glu608Gln)

Gene: NAGLU (N-acetyl-alpha-glucosaminidase; plus strand). Cytogenetic location: 17q21.2.
Variant type: single nucleotide variant.
Coding change: c.1822G>C on transcript NM_000263.4 (MANE Select); coding-DNA position 1822, G replaced by C.
Protein change: p.Glu608Gln; replaces glutamic acid 608 with glutamine.
Molecular consequence: missense variant.
Genome position (GRCh38, 1-based): chr17:42,543,828, G>C. VCF-style: chr17-42543828-G-C. GRCh37 (hg19) VCF-style: chr17-40695846-G-C.
Other names: short protein forms E608Q.
Identifiers: ClinVar variation 2187032 (VCV002187032.1), dbSNP rs756138287, ClinGen allele CA399604993.

ClinVar aggregate classification (germline): Uncertain significance (1 of 4 stars; one submission).

Conditions:
Charcot-Marie-Tooth disease axonal type 2V. Also called: CHARCOT-MARIE-TOOTH NEUROPATHY, TYPE 2V; CHARCOT-MARIE-TOOTH DISEASE, AXONAL, AUTOSOMAL DOMINANT, TYPE 2V. Identifiers: Orphanet 447964, MedGen C5569050, MONDO:0014665, OMIM 616491.
Mucopolysaccharidosis, MPS-III-B (MPS3B). Also called: N-ACETYL-ALPHA-D-GLUCOSAMINIDASE DEFICIENCY; NAGLU DEFICIENCY; SANFILIPPO SYNDROME B; MPS III B; MUCOPOLYSACCHARIDOSIS, TYPE IIIB; MPS IIIB (Sanfilippo Syndrome Type B). Identifiers: Orphanet 79270, MedGen C0086648, MONDO:0009656, OMIM 252920.

Allele frequency attached by ClinVar (database versions not stated): gnomAD 0.00001.

Submission:

Labcorp Genetics (formerly Invitae), Labcorp
Classification: Uncertain significance for Charcot-Marie-Tooth disease axonal type 2V; Mucopolysaccharidosis, MPS-III-B. Last evaluated: 2022-06-23. Review status: criteria provided, single submitter. Criteria: Invitae Variant Classification Sherloc (09022015). Collection method: clinical testing. Allele origin: germline.
Comment: This sequence change replaces glutamic acid, which is acidic and polar, with glutamine, which is neutral and polar, at codon 608 of the NAGLU protein (p.Glu608Gln). This variant is not present in population databases (gnomAD no frequency). This variant has not been reported in the literature in individuals affected with NAGLU-related conditions. Advanced modeling of protein sequence and biophysical properties (such as structural, functional, and spatial information, amino acid conservation, physicochemical variation, residue mobility, and thermodynamic stability) performed at Invitae indicates that this missense variant is not expected to disrupt NAGLU protein function. In summary, the available evidence is currently insufficient to determine the role of this variant in disease. Therefore, it has been classified as a Variant of Uncertain Significance.